The following is an entry in ClinVar:

ClinVar aggregate classification (germline): Conflicting classifications of pathogenicity. Review status: criteria provided, conflicting classifications (1 of 4 stars). 3 submissions from 3 submitters: Uncertain significance (2); Likely benign (1). Last evaluated 2025-11-25.

Conditions:
Muscular dystrophy-dystroglycanopathy (congenital with brain and eye anomalies), type A14. Also called: Congenital Muscular Dystrophy-Dystroglycanopathy with Brain and Eye Anomalies Type A 14; Congenital muscular dystrophy-dystroglycanopathy with brain and eye anomalies, type A14; WALKER-WARBURG SYNDROME OR MUSCLE-EYE-BRAIN DISEASE, GMPPB-RELATED; Muscular dystrophy-dystroglycanopathy (congenital with brain and eye anomalies), type a, 14. Identifiers: Orphanet 588, MedGen C3809216, MONDO:0014140, OMIM 615350.
Autosomal recessive limb-girdle muscular dystrophy type 2T. Also called: Limb-girdle muscular dystrophy-dystroglycanopathy, type C14; MUSCULAR DYSTROPHY-DYSTROGLYCANOPATHY, LIMB-GIRDLE, GMPPB-RELATED; MUSCULAR DYSTROPHY, LIMB-GIRDLE, TYPE 2T; Muscular dystrophy-dystroglycanopathy (limb-girdle), type c, 14. Identifiers: Orphanet 363623, MedGen C4518000, MONDO:0014142, OMIM 615352.
Muscular dystrophy-dystroglycanopathy (congenital with impaired intellectual development), type B, 14. Also called: Congenital muscular dystrophy-dystroglycanopathy with mental retardation, type B14; Muscular dystrophy-dystroglycanopathy (congenital with intellectual disability), type B14; MUSCULAR DYSTROPHY, CONGENITAL, GMPPB-RELATED. Identifiers: MedGen C3809221, MONDO:0014141, OMIM 615351.

Submissions (3):

Dasa
Classification: Uncertain significance. Last evaluated: 2025-11-25. Review status: criteria provided, single submitter. Criteria: DASA Assertion Criteria. Collection method: clinical testing. Allele origin: germline.
Comment: NM_013334.4(GMPPB):c.1012_1016dup (p.Tyr340Argfs*13) is a frameshift variant in GMPPB predicted to alter the reading frame and introduce a premature termination codon. This variant is rare in population databases. Computational prediction algorithms are consistent with a deleterious effect. The currently available literature and clinical evidence are not sufficient to establish a definitive association between this variant and the reported condition. Therefore, this variant is classified as a variant of uncertain significance.

Labcorp Genetics (formerly Invitae), Labcorp
Classification: Likely benign for Autosomal recessive limb-girdle muscular dystrophy type 2T; Muscular dystrophy-dystroglycanopathy (congenital with brain and eye anomalies), type A14; Muscular dystrophy-dystroglycanopathy (congenital with impaired intellectual development), type B, 14. Last evaluated: 2025-07-15. Review status: criteria provided, single submitter. Criteria: Invitae Variant Classification Sherloc (09022015). Collection method: clinical testing. Allele origin: germline.

Laboratorio de Genetica e Diagnostico Molecular, Hospital Israelita Albert Einstein
Classification: Uncertain significance for Muscular dystrophy-dystroglycanopathy (congenital with brain and eye anomalies), type A14. Last evaluated: 2023-01-27. Review status: criteria provided, single submitter. Criteria: ACMG Guidelines, 2015. Collection method: clinical testing. Allele origin: germline. Affected: yes. Observed: 1 variant allele.
Comment: ACMG classification criteria: PM2 moderated

NM_021971.4(GMPPB):c.952-21_952-17dup

Gene: GMPPB (GDP-mannose pyrophosphorylase B; minus strand). Cytogenetic location: 3p21.31.
Variant type: Duplication.
Coding change: c.952-21_952-17dup on transcript NM_021971.4 (MANE Select); 21 bases into the intron before coding-DNA position 952 through 17 bases into the intron before coding-DNA position 952, 5 bases duplicated (AAGGC; older notation c.952-21_952-17dupAAGGC).
Molecular consequence: intron variant. On other transcripts: frameshift variant (1).
Genome position (GRCh38, 1-based): chr3:49,721,900-49,721,904, GCCTT duplicated on the plus strand (AAGGC on the coding strand, the reverse complement: GMPPB is on the minus strand); duplicating any 5 consecutive bases within chr3:49,721,900-49,721,905 gives the same sequence; the c. name uses the placement nearest the transcript's 3' end. VCF-style (leftmost placement, unchanged base first): chr3-49721899-G-GGCCTT. GRCh37 (hg19) VCF-style: chr3-49759332-G-GGCCTT.
Other names: c.1012_1016dup, p.Tyr340fs (NM_013334.4); short protein forms Y340fs.
Identifiers: ClinVar variation 2431558 (VCV002431558.4), dbSNP rs770830451, ClinGen allele CA2405384.